The following is an entry in ClinVar:

NM_000321.3(RB1):c.-93T>G

Gene: RB1 (RB transcriptional corepressor 1; plus strand). Cytogenetic location: 13q14.2.
Variant type: single nucleotide variant.
Coding change: c.-93T>G on transcript NM_000321.3 (MANE Select); 93 bases upstream of the start codon, T replaced by G.
Molecular consequence: 5 prime UTR variant.
Genome position (GRCh38, 1-based): chr13:48,303,820, T>G. VCF-style: chr13-48303820-T-G. GRCh37 (hg19) VCF-style: chr13-48877956-T-G.
Other names: c.-93T>G (NM_001407165.1, NM_001407166.1, NM_001407167.1).
Identifiers: ClinVar variation 3616735 (VCV003616735.2).

ClinVar aggregate classification (germline): Uncertain significance (1 of 4 stars; one submission).

Conditions:
Retinoblastoma (RB1). Also called: RETINOBLASTOMA, SOMATIC. Identifiers: Orphanet 790, MedGen C0035335, MeSH D012175, MONDO:0008380, OMIM 180200, HP:0009919. Disease mechanism: loss of function. Inheritance: Both sporadic and heritable forms are tested..

gnomAD v4.1: 1 of 1,457,604 alleles (0.000069%); highest among the groups gnomAD compares: African/African-American, 0.0015%; no homozygotes.

Submission:

Labcorp Genetics (formerly Invitae), Labcorp
Classification: Uncertain significance for Retinoblastoma. Last evaluated: 2024-08-19. Review status: criteria provided, single submitter. Criteria: Invitae Variant Classification Sherloc (09022015). Collection method: clinical testing. Allele origin: germline.
Comment: This variant occurs in a non-coding region of the RB1 gene. It does not change the encoded amino acid sequence of the RB1 protein. This variant is present in population databases (no rsID available, gnomAD 0.01%). This variant has not been reported in the literature in individuals affected with RB1-related conditions. In summary, the available evidence is currently insufficient to determine the role of this variant in disease. Therefore, it has been classified as a Variant of Uncertain Significance.